The following is an entry in ClinVar:

ClinVar aggregate classification (germline): Pathogenic (1 of 4 stars; one submission).

Conditions:
Hereditary cancer-predisposing syndrome. Also called: Hereditary neoplastic syndrome; Hereditary Cancer Syndrome; Neoplastic Syndromes, Hereditary; Tumor predisposition. Identifiers: Orphanet 140162, MedGen C0027672, MeSH D009386, MONDO:0015356.

Submission:

Color Diagnostics, LLC DBA Color Health
Classification: Pathogenic for Hereditary cancer-predisposing syndrome. Last evaluated: 2023-09-18. Review status: criteria provided, single submitter. Criteria: ACMG Guidelines, 2015. Collection method: clinical testing. Allele origin: germline.
Comment: This variant deletes 17 nucleotides in exon 9 of the ATM gene, creating a frameshift and premature translation stop signal. This variant is expected to result in an absent or non-functional protein product. To our knowledge, this variant has not been reported in individuals affected with ATM-related disorders in the literature. This variant has not been identified in the general population by the Genome Aggregation Database (gnomAD). Loss of ATM function is a known mechanism of disease. Based on the available evidence, this variant is classified as Pathogenic.

NM_000051.4(ATM):c.1105_1121del (p.Ser369fs)

Gene: ATM (ATM serine/threonine kinase; plus strand). Cytogenetic location: 11q22.3.
Variant type: Deletion.
Coding change: c.1105_1121del on transcript NM_000051.4 (MANE Select); coding-DNA positions 1105 to 1121, 17 bases deleted (TCTTACACTACTACACA).
Protein change: p.Ser369fs; shifts the reading frame from serine 369.
Molecular consequence: frameshift variant.
Genome position (GRCh38, 1-based): chr11:108,248,972-108,248,988, TCTTACACTACTACACA deleted; deleting any 17 consecutive bases within chr11:108,248,971-108,248,988 gives the same sequence; the c. name uses the placement nearest the transcript's 3' end. VCF-style (leftmost placement, unchanged base first): chr11-108248970-AATCTTACACTACTACAC-A. GRCh37 (hg19) VCF-style: chr11-108119697-AATCTTACACTACTACAC-A.
Other names: c.1105_1121del, p.Ser369fs (NM_001351834.2); short protein forms S369fs.
Identifiers: ClinVar variation 2774064 (VCV002774064.2), dbSNP rs2497208411, ClinGen allele CA2697548980.